The following is an entry in ClinVar:

ClinVar aggregate classification (germline): Conflicting classifications of pathogenicity. Review status: criteria provided, conflicting classifications (1 of 4 stars). 12 submissions from 12 submitters: Uncertain significance (1); Benign (3); Likely benign (4). 4 of the submissions do not count toward it. Last evaluated 2026-02-02.

Conditions:
CEBPA-related disorder. Also called: CEBPA-related condition.
Inborn genetic diseases. Identifiers: MedGen C0950123, MeSH D030342.
Hereditary cancer-predisposing syndrome. Also called: Tumor predisposition; Hereditary Cancer Syndrome; Neoplastic Syndromes, Hereditary; Hereditary neoplastic syndrome. Identifiers: Orphanet 140162, MedGen C0027672, MeSH D009386, MONDO:0015356.
Acute myeloid leukemia (AML). Also called: Acute myeloid leukemia, adult; AML adult; Acute non-lymphocytic leukemia; Acute granulocytic leukemia; Leukemia, acute myelogenous, somatic; Leukemia, acute myeloid, somatic. Identifiers: Orphanet 519, MedGen C0023467, MeSH D015470, MONDO:0018874, OMIM 601626, HP:0004808. Disease mechanism: Constitutively activated FLT3.

Allele frequency attached by ClinVar (database versions not stated): ExAC below 0.00001; 1000 Genomes Project 30x 0.00109; gnomAD exomes 0.00187 and 0.00269; TOPMed 0.00214; gnomAD 0.00273 and 0.00295.
gnomAD v4.1: 3,168 of 1,180,674 alleles (0.27%); highest among the groups gnomAD compares: Non-Finnish European, 0.29%; 10 homozygotes.

Submissions (12):

Labcorp Genetics (formerly Invitae), Labcorp
Classification: Benign for Acute myeloid leukemia. Last evaluated: 2026-02-02. Review status: criteria provided, single submitter. Criteria: Invitae Variant Classification Sherloc (09022015). Collection method: clinical testing. Allele origin: germline.

CeGaT Center for Human Genetics Tuebingen
Classification: Likely benign. Last evaluated: 2025-07-01. Review status: criteria provided, single submitter. Criteria: CeGaT Center For Human Genetics Tuebingen Variant Classification Criteria Version 2. Collection method: clinical testing. Allele origin: germline. Affected: yes. Observed: 1 variant allele.
Comment: CEBPA: BP4, BP7, BS2

Blueprint Genetics
Classification: Likely benign. Last evaluated: 2024-11-27. Review status: criteria provided, single submitter. Criteria: ACMG Guidelines, 2015. Collection method: clinical testing. Allele origin: germline.

Ambry Genetics
Classification: Likely benign for Inborn genetic diseases. Last evaluated: 2024-10-02. Review status: criteria provided, single submitter. Criteria: Ambry Variant Classification Scheme 2023. Collection method: clinical testing. Allele origin: germline.

Institute for Clinical Genetics, University Hospital TU Dresden, University Hospital TU Dresden
Classification: Uncertain significance. Last evaluated: 2021-11-03. Review status: criteria provided, single submitter. Criteria: ACMG Guidelines, 2015. Collection method: clinical testing. Allele origin: germline.

GeneDx
Classification: Likely benign. Last evaluated: 2020-12-22. Review status: criteria provided, single submitter. Criteria: GeneDx Variant Classification Process June 2021. Collection method: clinical testing. Allele origin: germline. Affected: yes.
Comment: This variant is associated with the following publications: (PMID: 25468431)

Sema4
Classification: Benign for Hereditary cancer-predisposing syndrome. Last evaluated: 2020-11-20. Review status: criteria provided, single submitter. Criteria: Sema4 Curation Guidelines. Collection method: curation. Allele origin: germline.

Genetic Services Laboratory, University of Chicago
Classification: Benign. Last evaluated: 2018-12-31. Review status: criteria provided, single submitter. Criteria: ACMG Guidelines, 2015. Collection method: clinical testing. Allele origin: germline. Affected: no.

PreventionGenetics, part of Exact Sciences
Classification: Likely benign for CEBPA-related condition. Last evaluated: 2020-12-15. Review status: no assertion criteria provided. Collection method: clinical testing. Allele origin: germline. Not counted in ClinVar's aggregate classification.
Comment: This variant is classified as likely benign based on ACMG/AMP sequence variant interpretation guidelines (Richards et al. 2015 PMID: 25741868, with internal and published modifications).

Clinical Genetics DNA and cytogenetics Diagnostics Lab, Erasmus MC, Erasmus Medical Center
Classification: Likely benign. Review status: no assertion criteria provided. Collection method: clinical testing. Allele origin: germline. Affected: yes. Study: VKGL Data-share Consensus. Not counted in ClinVar's aggregate classification.

Diagnostic Laboratory, Department of Genetics, University Medical Center Groningen
Classification: Likely benign. Review status: no assertion criteria provided. Collection method: clinical testing. Allele origin: germline. Affected: yes. Study: VKGL Data-share Consensus. Not counted in ClinVar's aggregate classification.

Genome Diagnostics Laboratory, Amsterdam University Medical Center
Classification: Likely benign. Review status: no assertion criteria provided. Collection method: clinical testing. Allele origin: germline. Affected: yes. Study: VKGL Data-share Consensus. Not counted in ClinVar's aggregate classification.

NM_004364.5(CEBPA):c.402G>A (p.Ala134=)

Gene: CEBPA (CCAAT enhancer binding protein alpha; minus strand). Cytogenetic location: 19q13.11.
Variant type: single nucleotide variant.
Coding change: c.402G>A on transcript NM_004364.5 (MANE Select); coding-DNA position 402, G replaced by A.
Protein change: p.Ala134=; no amino-acid change (alanine 134 retained).
Molecular consequence: synonymous variant.
Genome position (GRCh38, 1-based): chr19:33,302,013, C>T on the plus strand (G>A on the coding strand, the complement: CEBPA is on the minus strand). VCF-style: chr19-33302013-C-T. GRCh37 (hg19) VCF-style: chr19-33792919-C-T.
Other names: c.45G>A, p.Ala15= (NM_001285829.2); c.507G>A, p.Ala169= (NM_001287424.2); c.360G>A, p.Ala120= (NM_001287435.2).
Identifiers: ClinVar variation 239923 (VCV000239923.41), dbSNP rs752254340, ClinGen allele CA9363713.